The following is an entry in ClinVar:

ClinVar aggregate classification (germline): Pathogenic (1 of 4 stars; one submission).

Submission:

Labcorp Genetics (formerly Invitae), Labcorp
Classification: Pathogenic. Last evaluated: 2025-12-23. Review status: criteria provided, single submitter. Criteria: Invitae Variant Classification Sherloc (09022015). Collection method: clinical testing. Allele origin: germline.
Comment: This sequence change inserts a large fragment of DNA, likely a transposable element, in exon 11 of the ATP2A2 gene (c.1389_1390ins?), causing a frameshift at codon 464 (p.Lys464fs). The exact size and sequence of the insertion cannot be determined by the current assay. However, the insertion is expected to result in an absent or disrupted protein product. This variant is not present in population databases (gnomAD no frequency). This variant has not been reported in the literature in individuals affected with ATP2A2-related conditions. Retrotransposon insertions including LINE1 (L1), Alu, and SVA (SINE-VNTR-Alu) have been reported to be disease-causing through disruption of either a coding region or splice site (PMID: 19763152, 20307669, 22406018) and loss-of-function variants in ATP2A2 are known to be pathogenic (PMID: 10080178, 10441324). For these reasons, this variant has been classified as Pathogenic.

Literature cited by the submitters: PubMed 19763152; PubMed 20307669; PubMed 22406018; PubMed 10080178; PubMed 10441324.

NM_170665.4(ATP2A2):c.1389_1390insTTTTTTTTTTTTTTTTTTTTNNNNNNNNNNCCTGACCTCGTGATCCGCCCGCCTCGGCCTCCCAAAGTGCTGGGATTACAGGCGGGAGCCACCGCGCCCGGCCTGAAGGGTCTTTCT (p.Ser463_Lys464insPhePhePhePhePhePheXaaXaaXaaXaaProAspLeuValIleArgProProArgProProLysValLeuGlyLeuGlnAlaGlyAlaThrAlaProGlyLeuLysGlyLeuSer)

Gene: ATP2A2 (ATPase sarcoplasmic/endoplasmic reticulum Ca2+ transporting 2; plus strand). Cytogenetic location: 12q24.11.
Variant type: Insertion.
Coding change: c.1389_1390insTTTTTTTTTTTTTTTTTTTTNNNNNNNNNNCCTGACCTCGTGATCCGCCCGCCTCGGCCTCCCAAAGTGCTGGGATTACAGGCGGGAGCCACCGCGCCCGGCCTGAAGGGTCTTTCT on transcript NM_170665.4 (MANE Select); coding-DNA positions 1389 to 1390, TTTTTTTTTTTTTTTTTTTTNNNNNNNNNNCCTGACCTCGTGATCCGCCCGCCTCGGCCTCCCAAAGTGCTGGGATTACAGGCGGGAGCCACCGCGCCCGGCCTGAAGGGTCTTTCT inserted.
Protein change: p.Ser463_Lys464insPhePhePhePhePhePheXaaXaaXaaXaaProAspLeuValIleArgProProArgProProLysValLeuGlyLeuGlnAlaGlyAlaThrAlaProGlyLeuLysGlyLeuSer.
Molecular consequence: inframe insertion.
Genome position: GRCh38: chr12:110,334,113-110,334,114. GRCh37 (hg19): chr12:110,771,918-110,771,919.
Other names: c.1284_1285insTTTTTTTTTTTTTTTTTTTTNNNNNNNNNNCCTGACCTCGTGATCCGCCCGCCTCGGCCTCCCAAAGTGCTGGGATTACAGGCGGGAGCCACCGCGCCCGGCCTGAAGGGTCTTTCT, p.Ser428_Lys429insPhePhePhePhePhePheXaaXaaXaaXaaProAspLeuValIleArgProProArgProProLysValLeuGlyLeuGlnAlaGlyAlaThrAlaProGlyLeuLysGlyLeuSer (NM_001413013.1); c.1389_1390insTTTTTTTTTTTTTTTTTTTTNNNNNNNNNNCCTGACCTCGTGATCCGCCCGCCTCGGCCTCCCAAAGTGCTGGGATTACAGGCGGGAGCCACCGCGCCCGGCCTGAAGGGTCTTTCT, p.Ser463_Lys464insPhePhePhePhePhePheXaaXaaXaaXaaProAspLeuValIleArgProProArgProProLysValLeuGlyLeuGlnAlaGlyAlaThrAlaProGlyLeuLysGlyLeuSer (NM_001413014.1, NM_001681.4); c.1014_1015insTTTTTTTTTTTTTTTTTTTTNNNNNNNNNNCCTGACCTCGTGATCCGCCCGCCTCGGCCTCCCAAAGTGCTGGGATTACAGGCGGGAGCCACCGCGCCCGGCCTGAAGGGTCTTTCT, p.Ser338_Lys339insPhePhePhePhePhePheXaaXaaXaaXaaProAspLeuValIleArgProProArgProProLysValLeuGlyLeuGlnAlaGlyAlaThrAlaProGlyLeuLysGlyLeuSer (NM_001413015.1).
Identifiers: ClinVar variation 4734010 (VCV004734010.1).